The following is an entry in ClinVar:

NM_001358530.2(MOCS1):c.971G>A (p.Gly324Glu)

Gene: MOCS1 (molybdenum cofactor synthesis 1; minus strand). Cytogenetic location: 6p21.2.
Variant type: single nucleotide variant.
Coding change: c.971G>A on transcript NM_001358530.2 (MANE Select); coding-DNA position 971, G replaced by A.
Protein change: p.Gly324Glu; replaces glycine 324 with glutamic acid.
Molecular consequence: missense variant. On other transcripts: non-coding transcript variant (1).
Genome position (GRCh38, 1-based): chr6:39,912,274, C>T on the plus strand (G>A on the coding strand, the complement: MOCS1 is on the minus strand). VCF-style: chr6-39912274-C-T. GRCh37 (hg19) VCF-style: chr6-39880018-C-T.
Other names: p.Gly324Glu; c.971G>A, p.Gly324Glu (NM_001075098.4, NM_001358529.2, NM_005943.6); c.710G>A, p.Gly237Glu (NM_001358531.2, NM_001358533.2, NM_001358534.2); short protein forms G237E, G324E.
Identifiers: ClinVar variation 3377115 (VCV003377115.2).
Genomic context (GRCh38, chr6:39,912,274, plus strand): 5'-ATGAGAACACAGAGGTGGCAAGGGGTCCCTGTGGAGGAGGGGATGCTCACCTTGAGGTTC[C>T]CATCAGCTGTGATTCGCAGGCGGTTGCAGGTCCCACAGAAATGCTCAGACATGGATGTGA-3'
Protein context (NP_001345459.1, residues 314-334): TCNRLRITAD[Gly324Glu]NLKVCLFGNS

ClinVar aggregate classification (germline): Pathogenic. Review status: criteria provided, multiple submitters, no conflicts (2 of 4 stars). 2 submissions from 2 submitters: Pathogenic (2). Last evaluated 2025-08-25.

Conditions:
Sulfite oxidase deficiency due to molybdenum cofactor deficiency type A. Also called: Molybdenum cofactor deficiency, complementation group A; Molybdenum Cofactor Deficiency A. Identifiers: Orphanet 308386, Orphanet 833, MedGen C1854988, MONDO:0009643, OMIM 252150.

gnomAD v4.1: 2 of 1,611,626 alleles (0.00012%); highest among the groups gnomAD compares: South Asian, 0.0022%; no homozygotes.

Submissions (2):

Department of Molecular Genetics, Istishari Arab Hospital
Classification: Pathogenic for Sulfite oxidase deficiency due to molybdenum cofactor deficiency type A. Last evaluated: 2025-08-25. Review status: criteria provided, single submitter. Criteria: ACMG Guidelines, 2015. Collection method: clinical testing. Allele origin: inherited. Inheritance: Autosomal recessive inheritance. Affected: yes.
Comment: The MOCS1 variant c.971G>A, p.Gly324Glu causes an amino acid change from Gly to Glu at position 324. This variant was previously reported in patients with Molybdenum cofactor deficiency A (PMID: 35192225, 27289259, 9921896). Different missense changes at the same codon (p.Gly324Arg, p.Gly324Trp) have been reported to be associated with MOCS1-related disorder (PMID: 12754701, 32369273). It is classified as pathogenic based on ACMG/AMP/ClinGen SVI guidelines.

Victorian Clinical Genetics Services, Murdoch Childrens Research Institute
Classification: Pathogenic for Sulfite oxidase deficiency due to molybdenum cofactor deficiency type A. Last evaluated: 2024-10-08. Review status: criteria provided, single submitter. Criteria: ACMG Guidelines, 2015. Collection method: clinical testing. Allele origin: germline. Inheritance: Autosomal recessive inheritance. Affected: yes.
Comment: Based on the classification scheme VCGS_Germline_v1.3.4, this variant is classified as Pathogenic. Following criteria are met: 0102 - Loss of function is a known mechanism of disease in this gene and is associated with molybdenum cofactor deficiency A (MIM#252150). (I) 0106 - This gene is associated with autosomal recessive disease. (I) 0200 - Variant is predicted to result in a missense amino acid change from glycine to glutamic acid. (I) 0252 - This variant is homozygous. (I) 0304 - Variant is present in gnomAD <0.01 for a recessive condition (v2: 1 heterozygote, 0 homozygotes). (SP) 0309 - Multiple alternative amino acid changes at the same position have been observed in gnomAD (v2) (highest allele count: 1 heterozygote, 0 homozygotes). (I) 0501 - Missense variant consistently predicted to be damaging by multiple in silico tools or highly conserved with a major amino acid change. (SP) 0600 - Variant is located in the annotated molybdenum cofactor synthesis C domain (DECIPHER). (I) 0703 - Other missense variants comparable to the one identified in this case have moderate previous evidence for pathogenicity. Two alternative changes, p.(Gly324Arg) and p.(Gly324Trp), have each been reported with a second MOCS1 variant in two unrelated individuals with MOCS1-related features (PMIDs: 35192225, 32369273). (SP) 0802 - This variant has moderate previous evidence of pathogenicity in unrelated individuals. This variant has been reported as homozygous in at least three unrelated individuals with MOCS1-related features (PMIDs: 9921896, 27289259, 35192225). (SP) 0905 - No published segregation evidence has been identified for this variant. (I) 1101 - Very strong and specific phenotype match for this individual. (I) Legend: (SP) - Supporting pathogenic, (I) - Information, (SB) - Supporting benign

Literature cited by the submitters: PubMed 35192225 (cited by Department of Molecular Genetics, Istishari Arab Hospital and Victorian Clinical Genetics Services, Murdoch Childrens Research Institute); PubMed 27289259 (cited by Department of Molecular Genetics, Istishari Arab Hospital and Victorian Clinical Genetics Services, Murdoch Childrens Research Institute); PubMed 9921896 (cited by Department of Molecular Genetics, Istishari Arab Hospital and Victorian Clinical Genetics Services, Murdoch Childrens Research Institute); PubMed 12754701 (cited by Department of Molecular Genetics, Istishari Arab Hospital); PubMed 32369273 (cited by Department of Molecular Genetics, Istishari Arab Hospital and Victorian Clinical Genetics Services, Murdoch Childrens Research Institute).